The following is an entry in ClinVar:

ClinVar aggregate classification (germline): Pathogenic. Review status: criteria provided, multiple submitters, no conflicts (2 of 4 stars). 2 submissions from 2 submitters: Pathogenic (2). Last evaluated 2023-10-17.

Conditions:
3-M syndrome. Also called: 3M SYNDROME; 3-MSBN; Three-M slender-boned nanism; Three M syndrome. Identifiers: Orphanet 2616, MedGen C1848862, MONDO:0007477.

Allele frequency attached by ClinVar (database versions not stated): gnomAD exomes below 0.00001.

Submissions (2):

Women's Health and Genetics/Laboratory Corporation of America, LabCorp
Classification: Pathogenic for 3-M syndrome. Last evaluated: 2023-10-17. Review status: criteria provided, single submitter. Criteria: LabCorp Variant Classification Summary - May 2015. Collection method: clinical testing. Allele origin: germline.
Comment: Variant summary: CUL7 c.3991_3992delCT (p.Leu1331GlufsX47) results in a premature termination codon, predicted to cause absence of the protein due to nonsense mediated decay, which is a commonly known mechanism for disease. The variant was absent in 251378 control chromosomes (gnomAD). To our knowledge, no occurrence of c.3991_3992delCT in individuals affected with Three M Syndrome 1 and no experimental evidence demonstrating its impact on protein function have been reported. No submitters have cited clinical-significance assessments for this variant to ClinVar after 2014. Based on the evidence outlined above, the variant was classified as pathogenic.

Labcorp Genetics (formerly Invitae), Labcorp
Classification: Pathogenic. Last evaluated: 2023-07-28. Review status: criteria provided, single submitter. Criteria: Invitae Variant Classification Sherloc (09022015). Collection method: clinical testing. Allele origin: germline.
Comment: For these reasons, this variant has been classified as Pathogenic. This variant has not been reported in the literature in individuals affected with CUL7-related conditions. This variant is not present in population databases (gnomAD no frequency). This sequence change creates a premature translational stop signal (p.Leu1331Glufs*47) in the CUL7 gene. It is expected to result in an absent or disrupted protein product. Loss-of-function variants in CUL7 are known to be pathogenic (PMID: 16142236, 17675530, 19225462).

Literature cited by the submitters: PubMed 16142236 (cited by Labcorp Genetics (formerly Invitae), Labcorp); PubMed 17675530 (cited by Labcorp Genetics (formerly Invitae), Labcorp); PubMed 19225462 (cited by Labcorp Genetics (formerly Invitae), Labcorp).

NM_014780.5(CUL7):c.3991_3992del (p.Leu1331fs)

Gene: CUL7 (cullin 7; minus strand). Cytogenetic location: 6p21.1.
Variant type: Deletion.
Coding change: c.3991_3992del on transcript NM_014780.5 (MANE Select); coding-DNA positions 3991 to 3992, 2 bases deleted (CT; older notation c.3991_3992delCT).
Protein change: p.Leu1331fs; shifts the reading frame from leucine 1331.
Molecular consequence: frameshift variant.
Genome position (GRCh38, 1-based): chr6:43,040,561-43,040,562, AG deleted on the plus strand (CT on the coding strand, the reverse complement: CUL7 is on the minus strand). VCF-style (leftmost placement, unchanged base first): chr6-43040560-CAG-C. GRCh37 (hg19) VCF-style: chr6-43008298-CAG-C.
Other names: c.3991_3992delCT (NM_014780.5); c.4087_4088del, p.Leu1363fs (NM_001168370.2, NM_001374872.1); c.3991_3992del, p.Leu1331fs (NM_001374873.1); c.3988_3989del, p.Leu1330fs (NM_001374874.1); short protein forms L1330fs, L1331fs, L1363fs.
Identifiers: ClinVar variation 2637785 (VCV002637785.4), dbSNP rs2532602526, ClinGen allele CA2678805351.
Genomic context (GRCh38, chr6:43,040,560, plus strand): 5'-TTATTTGCTTATCCCTTCCAAGGCACTCACCTGTATTTTCTTCTCTGTATCCTCCAGCTT[CAG>C]GAGTTCCTGATCCAGCTGCTGGAGCTGGTAGACGTGGAACTGGCGCTGCAGCTCCTTAGA-3'